The following is an entry in ClinVar:

ClinVar aggregate classification (germline): Uncertain significance. Review status: criteria provided, multiple submitters, no conflicts (2 of 4 stars). 2 submissions from 2 submitters: Uncertain significance (2). Last evaluated 2020-01-14.

Conditions:
Autosomal recessive limb-girdle muscular dystrophy type 2J (LGMDR10). Also called: Limb-girdle muscular dystrophy, type 2J; MUSCULAR DYSTROPHY, LIMB-GIRDLE, AUTOSOMAL RECESSIVE 10. Identifiers: Orphanet 140922, MedGen C1837342, MONDO:0012127, OMIM 608807.
Dilated cardiomyopathy 1G (CMD1G). Identifiers: Orphanet 154, MedGen C1858763, MONDO:0011400, OMIM 604145.

Allele frequency attached by ClinVar (database versions not stated): TOPMed 0.00001.
gnomAD v4.1: 4 of 1,613,026 alleles (0.00025%); highest among the groups gnomAD compares: Admixed American, 0.0067%; no homozygotes.

Submissions (2):

Baylor Genetics
Classification: Uncertain significance for Dilated cardiomyopathy 1G. Last evaluated: 2020-01-14. Review status: criteria provided, single submitter. Criteria: ACMG Guidelines, 2015. Collection method: clinical testing. Allele origin: unknown. Affected: yes.
Comment: This variant was determined to be of uncertain significance according to ACMG Guidelines, 2015 [PMID:25741868].

Labcorp Genetics (formerly Invitae), Labcorp
Classification: Uncertain significance for Dilated cardiomyopathy 1G; Autosomal recessive limb-girdle muscular dystrophy type 2J. Last evaluated: 2017-08-17. Review status: criteria provided, single submitter. Criteria: Invitae Variant Classification Sherloc (09022015). Collection method: clinical testing. Allele origin: germline.

NM_001267550.2(TTN):c.63047G>C (p.Ser21016Thr)

Genes: TTN-AS1 (TTN antisense RNA 1; plus strand), TTN (titin; minus strand). Cytogenetic location: 2q31.2.
Variant type: single nucleotide variant.
Coding change: c.63047G>C on transcript NM_001267550.2 (MANE Select); coding-DNA position 63047, G replaced by C.
Protein change: p.Ser21016Thr; replaces serine 21016 with threonine.
Molecular consequence: missense variant.
Genome position (GRCh38, 1-based): chr2:178,588,678, C>G on the plus strand (G>C on the coding strand, the complement: TTN is on the minus strand). VCF-style: chr2-178588678-C-G. GRCh37 (hg19) VCF-style: chr2-179453405-C-G.
Other names: c.58124G>C, p.Ser19375Thr (NM_001256850.1); c.35852G>C, p.Ser11951Thr (NM_003319.4); c.55343G>C, p.Ser18448Thr (NM_133378.4); c.36227G>C, p.Ser12076Thr (NM_133432.3); c.36428G>C, p.Ser12143Thr (NM_133437.4); short protein forms S21016T, S19375T, S12143T, S18448T, S11951T, S12076T.
Identifiers: ClinVar variation 467358 (VCV000467358.4), dbSNP rs1169239147, ClinGen allele CA349457355.
Genomic context (GRCh38, chr2:178,588,678, plus strand): 5'-AACTGATATTCATGGTCTGGGAGGAGATTCTGTACTTTCATACGTCTCTCAGGGATTGCA[C>G]TCTTGTTGACAGGGACCCATCGTGTTGAATGCTTTTCCTTTTTCTCCAAAAAGTATCCAG-3'
Protein context (NP_001254479.2, residues 21006-21026): HSTRWVPVNK[Ser21016Thr]AIPERRMKVQ